The following is an entry in ClinVar:

ClinVar aggregate classification (germline): Uncertain significance (1 of 4 stars; one submission).

Conditions:
Glycogen storage disease type III (GSD3). Also called: Cori disease; FORBES DISEASE. Identifiers: Orphanet 366, MedGen C0017922, MONDO:0009291, OMIM 232400.

Submission:

Labcorp Genetics (formerly Invitae), Labcorp
Classification: Uncertain significance for Glycogen storage disease type III. Last evaluated: 2021-10-28. Review status: criteria provided, single submitter. Criteria: Invitae Variant Classification Sherloc (09022015). Collection method: clinical testing. Allele origin: germline.
Comment: This sequence change replaces isoleucine, which is neutral and non-polar, with asparagine, which is neutral and polar, at codon 389 of the AGL protein (p.Ile389Asn). This variant is not present in population databases (gnomAD no frequency). This variant has not been reported in the literature in individuals affected with AGL-related conditions. Algorithms developed to predict the effect of missense changes on protein structure and function (SIFT, PolyPhen-2, Align-GVGD) all suggest that this variant is likely to be tolerated. In summary, the available evidence is currently insufficient to determine the role of this variant in disease. Therefore, it has been classified as a Variant of Uncertain Significance.

NM_000642.3(AGL):c.1166T>A (p.Ile389Asn)

Gene: AGL (amylo-alpha-1,6-glucosidase and 4-alpha-glucanotransferase; plus strand). Cytogenetic location: 1p21.2.
Variant type: single nucleotide variant.
Coding change: c.1166T>A on transcript NM_000642.3 (MANE Select); coding-DNA position 1166, T replaced by A.
Protein change: p.Ile389Asn; replaces isoleucine 389 with asparagine.
Molecular consequence: missense variant.
Genome position (GRCh38, 1-based): chr1:99,875,237, T>A. VCF-style: chr1-99875237-T-A. GRCh37 (hg19) VCF-style: chr1-100340793-T-A.
Other names: c.1166T>A, p.Ile389Asn (NM_000028.3, NM_000643.3, NM_000644.3 and 2 more transcripts); c.1118T>A, p.Ile373Asn (NM_000646.3); c.962T>A, p.Ile321Asn (NM_001425328.1, NM_001425329.1); c.788T>A, p.Ile263Asn (NM_001425332.1); short protein forms I389N, I373N, I263N, I321N.
Identifiers: ClinVar variation 1394509 (VCV001394509.6), dbSNP rs2101127992, ClinGen allele CA341344875.